The following is an entry in ClinVar:

ClinVar aggregate classification (germline): Likely benign. Review status: criteria provided, single submitter (1 of 4 stars). 2 submissions from 2 submitters: Likely benign (1). 1 of the submissions does not count toward it. Last evaluated 2025-11-12.

Conditions:
AK7-related disorder. Also called: AK7-related condition.

Allele frequency attached by ClinVar (database versions not stated): ExAC 0.00012; TOPMed 0.00014; 1000 Genomes Project 30x 0.00016; gnomAD 0.00016; 1000 Genomes Project 0.00020; ESP Exome Variant Server 0.00023; gnomAD exomes 0.00025.
gnomAD v4.1: 400 of 1,614,146 alleles (0.025%); highest among the groups gnomAD compares: Non-Finnish European, 0.03%; 1 homozygote.

Submissions (2):

Labcorp Genetics (formerly Invitae), Labcorp
Classification: Likely benign. Last evaluated: 2025-11-12. Review status: criteria provided, single submitter. Criteria: Invitae Variant Classification Sherloc (09022015). Collection method: clinical testing. Allele origin: germline.

PreventionGenetics, part of Exact Sciences
Classification: Likely benign for AK7-related condition. Last evaluated: 2019-10-28. Review status: no assertion criteria provided. Collection method: clinical testing. Allele origin: germline. Not counted in ClinVar's aggregate classification.
Comment: This variant is classified as likely benign based on ACMG/AMP sequence variant interpretation guidelines (Richards et al. 2015 PMID: 25741868, with internal and published modifications).

NM_152327.5(AK7):c.1698C>T (p.Asp566=)

Gene: AK7 (adenylate kinase 7; plus strand). Cytogenetic location: 14q32.2.
Variant type: single nucleotide variant.
Coding change: c.1698C>T on transcript NM_152327.5 (MANE Select); coding-DNA position 1698, C replaced by T.
Protein change: p.Asp566=; no amino-acid change (aspartic acid 566 retained).
Molecular consequence: synonymous variant.
Genome position (GRCh38, 1-based): chr14:96,478,607, C>T. VCF-style: chr14-96478607-C-T. GRCh37 (hg19) VCF-style: chr14-96944944-C-T.
Other names: c.1629C>T, p.Asp543= (NM_001350888.2, NM_001350890.2); c.1620C>T, p.Asp540= (NM_001350891.2); c.1500C>T, p.Asp500= (NM_001350892.2); c.1698C>T (NM_152327.3).
Identifiers: ClinVar variation 2068609 (VCV002068609.6), dbSNP rs117684594, ClinGen allele CA7337927.